The following is an entry in ClinVar:

NM_007294.4(BRCA1):c.1387_1390delinsGAAAG (p.Lys463fs)

Gene: BRCA1 (BRCA1 DNA repair associated; minus strand). Cytogenetic location: 17q21.31.
Variant type: Indel.
Coding change: c.1387_1390delinsGAAAG on transcript NM_007294.4 (MANE Select); coding-DNA positions 1387 to 1390, AAAA replaced by GAAAG.
Protein change: p.Lys463fs; shifts the reading frame from lysine 463.
Molecular consequence: frameshift variant. On other transcripts: intron variant (137).
Genome position (GRCh38, 1-based): chr17:43,094,141-43,094,144, TTTT replaced by CTTTC on the plus strand (AAAA replaced by GAAAG on the coding strand, the reverse complement: BRCA1 is on the minus strand). VCF-style: chr17-43094141-TTTT-CTTTC. GRCh37 (hg19) VCF-style: chr17-41246158-TTTT-CTTTC.
Other names: c.574+600_574+603delinsGAAAG (NM_001408491.1, NM_001408493.1, NM_001408490.1); c.460+1702_460+1705delinsGAAAG (NM_001408506.1, NM_001408507.1); c.577+600_577+603delinsGAAAG (NM_001408481.1, NM_001408480.1, NM_001408492.1 and 9 more transcripts); c.778+600_778+603delinsGAAAG (NM_001408408.1); c.661+600_661+603delinsGAAAG (NM_001408446.1, NM_001408435.1, NM_001408448.1 and 6 more transcripts); c.784+600_784+603delinsGAAAG (NM_001408401.1, NM_001408396.1, NM_001407985.1 and 13 more transcripts); c.548-3112_548-3109delinsGAAAG (NM_001408494.1); c.664+600_664+603delinsGAAAG (NM_001408444.1, NM_001408438.1, NM_001408430.1 and 12 more transcripts); and 40 more; short protein forms K416fs, K463fs, K335fs, K374fs, K375fs, K422fs, K436fs, K395fs.
Identifiers: ClinVar variation 54234 (VCV000054234.24), dbSNP rs80357770, ClinGen allele CA000925.
Genomic context (GRCh38, chr17:43,094,141, plus strand): 5'-CTATAATTAGATTTTCAGTTACATGGCTTAAGTTGGGGAGGCTTGCCTTCTTCCGATAGG[TTTT>CTTTC]CCCAAATATTTTGTCTTCAATATTACTCTCTACTGATTTGGAGTGAACTCTTTCACTTTT-3'

ClinVar aggregate classification (germline): Pathogenic. Review status: reviewed by expert panel (3 of 4 stars). 10 submissions from 10 submitters: Pathogenic (1). 9 of the submissions do not count toward it. Last evaluated 2017-12-15.

Conditions:
BRCA1-related disorder. Also called: BRCA1-related condition.
Breast and/or ovarian cancer. Identifiers: MedGen CN221562.
Hereditary cancer-predisposing syndrome. Also called: Tumor predisposition; Neoplastic Syndromes, Hereditary; Hereditary Cancer Syndrome; Hereditary neoplastic syndrome. Identifiers: Orphanet 140162, MedGen C0027672, MeSH D009386, MONDO:0015356.
Hereditary breast ovarian cancer syndrome. Also called: Hereditary breast and ovarian cancer syndrome (HBOC); Hereditary breast and ovarian cancer syndrome; Hereditary breast and ovarian cancer; Hereditary breast and/or ovarian cancer syndrome; Breast and ovarian cancer; BRCA1- and BRCA2-Associated Hereditary Breast and Ovarian Cancer. Identifiers: Orphanet 145, MedGen C0677776, MeSH D061325, MONDO:0003582. Disease mechanism: loss of function.
Breast-ovarian cancer, familial, susceptibility to, 1 (BROVCA1). Also called: OVARIAN CANCER, SUSCEPTIBILITY TO; BRCA1 Hereditary Breast and Ovarian Cancer. Identifiers: Orphanet 145, MedGen C2676676, MONDO:0011450, OMIM 604370. Disease mechanism: loss of function.
Malignant tumor of breast. Also called: Malignant breast neoplasm; Cancer breast. Identifiers: MedGen C0006142, MONDO:0007254. Disease mechanism: loss of function.

Submissions (10):

Evidence-based Network for the Interpretation of Germline Mutant Alleles (ENIGMA)
Classification: Pathogenic for Breast-ovarian cancer, familial, susceptibility to, 1. Last evaluated: 2017-12-15. Review status: reviewed by expert panel. Criteria: ENIGMA BRCA1/2 Classification Criteria (2017-06-29). Collection method: curation. Allele origin: germline. Study: ENIGMA.
Comment: Variant allele predicted to encode a truncated non-functional protein.

GeneDx
Classification: Pathogenic. Last evaluated: 2026-08-22. Review status: criteria provided, single submitter. Criteria: GeneDx Variant Classification Process June 2021. Collection method: clinical testing. Allele origin: germline. Not counted in ClinVar's aggregate classification.
Comment: Frameshift variant predicted to result in protein truncation or nonsense mediated decay in a gene for which loss of function is a known mechanism of disease; Not observed at significant frequency in large population cohorts (gnomAD); Truncating variants in this gene are considered pathogenic by a well-established clinical consortium and/or database; Also known as 1506_1509GAAAG and [1506 A>G; 1510insG]; This variant is associated with the following publications: (PMID: 11933205)

Labcorp Genetics (formerly Invitae), Labcorp
Classification: Pathogenic for Hereditary breast ovarian cancer syndrome. Last evaluated: 2024-06-10. Review status: criteria provided, single submitter. Criteria: Invitae Variant Classification Sherloc (09022015). Collection method: clinical testing. Allele origin: germline. Not counted in ClinVar's aggregate classification.
Comment: This sequence change creates a premature translational stop signal (p.Lys463Glufs*17) in the BRCA1 gene. It is expected to result in an absent or disrupted protein product. Loss-of-function variants in BRCA1 are known to be pathogenic (PMID: 20104584). This variant is not present in population databases (gnomAD no frequency). This premature translational stop signal has been observed in individual(s) with breast cancer and/or ovarian cancer (PMID: 11933205, 17148771). This variant is also known as 1510insG. ClinVar contains an entry for this variant (Variation ID: 54235). For these reasons, this variant has been classified as Pathogenic.

Ambry Genetics
Classification: Pathogenic for Hereditary cancer-predisposing syndrome. Last evaluated: 2023-02-02. Review status: criteria provided, single submitter. Criteria: Ambry Variant Classification Scheme 2023. Collection method: clinical testing. Allele origin: germline. Not counted in ClinVar's aggregate classification.
Comment: The c.1387_1390delAAAAinsGAAAG pathogenic mutation, located in coding exon 9 of the BRCA1 gene, results from the deletion of 4 nucleotides and insertion of 5 nucleotides causing a translational frameshift with a predicted alternate stop codon (p.K463Efs*17). This alteration, designated as 1510insG and 1506A>G, has been reported in two hereditary breast and ovarian cancer families of Aboriginal descent in Canada (Liede A et al. Hum. Mutat. 2002 Apr;19(4):460). This variant is considered to be rare based on population cohorts in the Genome Aggregation Database (gnomAD). In addition to the clinical data presented in the literature, this alteration is expected to result in loss of function by premature protein truncation or nonsense-mediated mRNA decay. As such, this alteration is interpreted as a disease-causing mutation.

CHEO Genetics Diagnostic Laboratory, Children's Hospital of Eastern Ontario
Classification: Pathogenic for Breast and/or ovarian cancer. Last evaluated: 2022-05-26. Review status: criteria provided, single submitter. Criteria: ACMG Guidelines, 2015. Collection method: clinical testing. Allele origin: germline. Not counted in ClinVar's aggregate classification.

Blueprint Genetics
Classification: Pathogenic for BRCA1-related disorders. Last evaluated: 2022-02-18. Review status: criteria provided, single submitter. Criteria: ACMG Guidelines, 2015. Collection method: clinical testing. Allele origin: germline. Affected: yes. Observed: 1 variant allele. Not counted in ClinVar's aggregate classification.

Women's Health and Genetics/Laboratory Corporation of America, LabCorp
Classification: Likely pathogenic for Hereditary breast and ovarian cancer syndrome. Last evaluated: 2019-07-22. Review status: criteria provided, single submitter. Criteria: LabCorp Variant Classification Summary - May 2015. Collection method: clinical testing. Allele origin: germline. Not counted in ClinVar's aggregate classification.
Comment: Variant summary: BRCA1 c.1387_1390delinsGAAAG (p.Lys463GlufsX17) results in a premature termination codon, predicted to cause a truncation of the encoded protein or absence of the protein due to nonsense mediated decay, which are commonly known mechanisms for disease. Truncations downstream of this position have been classified as pathogenic by our laboratory. The variant was absent in 251096 control chromosomes (gnomAD). The variant, c.1387_1390delinsGAAAG, has been reported in the literature in two Native American families, where one of these families had several cases of ovarian- and breast cancer diagnosed below age 50 years (Liede_2002). To our knowledge, no experimental evidence demonstrating an impact on protein function has been reported. Four clinical diagnostic laboratories have submitted clinical-significance assessments for this variant to ClinVar after 2014 without evidence for independent evaluation. All laboratories classified the variant as pathogenic. Based on the evidence outlined above, the variant was classified as likely pathogenic.

PreventionGenetics, part of Exact Sciences
Classification: Pathogenic for BRCA1-related condition. Last evaluated: 2024-01-19. Review status: no assertion criteria provided. Collection method: clinical testing. Allele origin: germline. Not counted in ClinVar's aggregate classification.
Comment: The BRCA1 c.1387_1390delinsGAAAG variant is predicted to result in a frameshift and premature protein termination (p.Lys463Glufs*17). This variant has been reported to segregate in two extended Native American kindreds with hereditary breast and ovarian cancer (HBOC; Liede et al 2002. PubMed ID: 11933205). This variant was alternatively described as two separate events occurring on the same allele (in cis): c.1506A>G and c.1510insG. This variant has not been reported in a large population database, indicating it is rare. In ClinVar, this variant is interpreted as pathogenic. Furthermore, loss of function variants up and downstream of this position have been reported to be causative for HBOC (Human Gene Mutation Database v2020.4). This variant is interpreted as pathogenic.

Research Molecular Genetics Laboratory, Women's College Hospital, University of Toronto
Classification: Pathogenic for Hereditary breast ovarian cancer syndrome. Last evaluated: 2014-01-31. Review status: no assertion criteria provided. Collection method: research. Allele origin: germline. Affected: yes. Study: The Canadian Open Genetics Repository (COGR). Not counted in ClinVar's aggregate classification.

Department of Pathology and Laboratory Medicine, Sinai Health System
Classification: Pathogenic for Malignant tumor of breast. Review status: no assertion criteria provided. Collection method: clinical testing. Allele origin: unknown. Affected: yes. Study: The Canadian Open Genetics Repository (COGR). Not counted in ClinVar's aggregate classification.
Comment: The BRCA1 p.Lys463Glufs*17 variant was identified in the literature in two families of aboriginal descent both with breast and ovarian cancer (reported as 1510insG, 1506A>G) (Liede 2002). The variant was also identified in ClinVar (classified as pathogenic by Invitae, Ambry Genetics, GeneDx, ENIGMA and COGR). The variant was not identified in dbSNP, LOVD 3.0, or UMD-LSDB. The variant was not identified in the following control databases: the Exome Aggregation Consortium (August 8th 2016), or the Genome Aggregation Database (Feb 27, 2017). The c.1387_1390delinsGAAAG variant is predicted to cause a frameshift, which alters the protein's amino acid sequence beginning at codon 463 and leads to a premature stop codon at position 479. This alteration is then predicted to result in a truncated or absent protein and loss of function. Loss of function variants of the BRCA1 gene are an established mechanism of disease in BRCA1 associated cancers and is the type of variant expected to cause the disorder. In summary, based on the above information this variant meets our laboratoryâ€šÃ„Ã´s criteria to be classified as pathogenic.

Literature cited by the submitters: PubMed 20104584 (cited by Labcorp Genetics (formerly Invitae), Labcorp); PubMed 11933205 (cited by Labcorp Genetics (formerly Invitae), Labcorp and Women's Health and Genetics/Laboratory Corporation of America, LabCorp); PubMed 17148771 (cited by Labcorp Genetics (formerly Invitae), Labcorp).